The following is an entry in ClinVar:

ClinVar aggregate classification (germline): Uncertain significance (1 of 4 stars; one submission).

Conditions:
Craniolenticulosutural dysplasia (CLSD). Also called: BOYADJIEV-JABS SYNDROME. Identifiers: Orphanet 50814, MedGen C1843042, MONDO:0011911, OMIM 607812.

gnomAD v4.1: 3 of 1,613,722 alleles (0.00019%); highest among the groups gnomAD compares: Non-Finnish European, 0.00025%; no homozygotes.

Submission:

Labcorp Genetics (formerly Invitae), Labcorp
Classification: Uncertain significance for Craniolenticulosutural dysplasia. Last evaluated: 2024-04-05. Review status: criteria provided, single submitter. Criteria: Invitae Variant Classification Sherloc (09022015). Collection method: clinical testing. Allele origin: germline.
Comment: This sequence change replaces arginine, which is basic and polar, with glycine, which is neutral and non-polar, at codon 249 of the SEC23A protein (p.Arg249Gly). This variant is not present in population databases (gnomAD no frequency). This variant has not been reported in the literature in individuals affected with SEC23A-related conditions. ClinVar contains an entry for this variant (Variation ID: 1979970). An algorithm developed to predict the effect of missense changes on protein structure and function (PolyPhen-2) suggests that this variant is likely to be tolerated. In summary, the available evidence is currently insufficient to determine the role of this variant in disease. Therefore, it has been classified as a Variant of Uncertain Significance.

NM_006364.4(SEC23A):c.745C>G (p.Arg249Gly)

Gene: SEC23A (SEC23 homolog A, COPII component; minus strand). Cytogenetic location: 14q21.1.
Variant type: single nucleotide variant.
Coding change: c.745C>G on transcript NM_006364.4 (MANE Select); coding-DNA position 745, C replaced by G.
Protein change: p.Arg249Gly; replaces arginine 249 with glycine.
Molecular consequence: missense variant.
Genome position (GRCh38, 1-based): chr14:39,085,845, G>C on the plus strand (C>G on the coding strand, the complement: SEC23A is on the minus strand). VCF-style: chr14-39085845-G-C. GRCh37 (hg19) VCF-style: chr14-39555049-G-C.
Other names: short protein forms R249G.
Identifiers: ClinVar variation 1979970 (VCV001979970.4), dbSNP rs1193530363, ClinGen allele CA389536160.
Genomic context (GRCh38, chr14:39,085,845, plus strand): 5'-AAAGTGCCACCCCAGAGGAACGCAAAGGTCTCTTTCCCTGTGGTACAGGCCAAGGGTCTC[G>C]CTGGAGTTCTCCCAGAAGATCTGTGAGATTCATGTCTATTTTCTGTACTGGTTGTAAGAA-3'
Protein context (NP_006355.2, residues 239-259): NLTDLLGELQ[Arg249Gly]DPWPVPQGKR